The following is an entry in ClinVar:

NM_015202.5(KATNIP):c.980G>A (p.Arg327His)

Gene: KATNIP (katanin interacting protein; plus strand). Cytogenetic location: 16p12.1.
Variant type: single nucleotide variant.
Coding change: c.980G>A on transcript NM_015202.5 (MANE Select); coding-DNA position 980, G replaced by A.
Protein change: p.Arg327His; replaces arginine 327 with histidine.
Molecular consequence: missense variant.
Genome position (GRCh38, 1-based): chr16:27,698,367, G>A. VCF-style: chr16-27698367-G-A. GRCh37 (hg19) VCF-style: chr16-27709688-G-A.
Other names: c.980G>A (NM_015202.3, NM_015202.2); short protein forms R327H.
Identifiers: ClinVar variation 2064291 (VCV002064291.8), dbSNP rs767946597, ClinGen allele CA7977533.

ClinVar aggregate classification (germline): Uncertain significance. Review status: criteria provided, multiple submitters, no conflicts (2 of 4 stars). 4 submissions from 4 submitters: Uncertain significance (3). 1 of the submissions does not count toward it. Last evaluated 2025-11-20.

Conditions:
KATNIP-related disorder. Also called: KATNIP-related condition.

Allele frequency attached by ClinVar (database versions not stated): gnomAD exomes 0.00008; TOPMed 0.00009; gnomAD 0.00011; ExAC 0.00018.
gnomAD v4.1: 146 of 1,612,606 alleles (0.0091%); highest among the groups gnomAD compares: Middle Eastern, 0.2%; 1 homozygote.

Submissions (4):

Ambry Genetics
Classification: Uncertain significance. Last evaluated: 2025-11-20. Review status: criteria provided, single submitter. Criteria: Ambry Variant Classification Scheme 2023. Collection method: clinical testing. Allele origin: germline.

Blueprint Genetics
Classification: Uncertain significance. Last evaluated: 2024-11-21. Review status: criteria provided, single submitter. Criteria: ACMG Guidelines, 2015. Collection method: clinical testing. Allele origin: germline.

Labcorp Genetics (formerly Invitae), Labcorp
Classification: Uncertain significance. Last evaluated: 2024-10-31. Review status: criteria provided, single submitter. Criteria: Invitae Variant Classification Sherloc (09022015). Collection method: clinical testing. Allele origin: germline.
Comment: This sequence change replaces arginine, which is basic and polar, with histidine, which is basic and polar, at codon 327 of the KIAA0556 protein (p.Arg327His). This variant is present in population databases (rs767946597, gnomAD 0.09%). This variant has not been reported in the literature in individuals affected with KIAA0556-related conditions. ClinVar contains an entry for this variant (Variation ID: 2064291). An algorithm developed to predict the effect of missense changes on protein structure and function (PolyPhen-2) suggests that this variant is likely to be disruptive. In summary, the available evidence is currently insufficient to determine the role of this variant in disease. Therefore, it has been classified as a Variant of Uncertain Significance.

PreventionGenetics, part of Exact Sciences
Classification: Benign for KATNIP-related condition. Last evaluated: 2024-09-16. Review status: no assertion criteria provided. Collection method: clinical testing. Allele origin: germline. Not counted in ClinVar's aggregate classification.
Comment: This variant is classified as benign based on ACMG/AMP sequence variant interpretation guidelines (Richards et al. 2015 PMID: 25741868, with internal and published modifications).